The following is an entry in ClinVar:

NM_004667.6(HERC2):c.5371A>G (p.Ser1791Gly)

Gene: HERC2 (HECT and RLD domain containing E3 ubiquitin protein ligase 2; minus strand). Cytogenetic location: 15q13.1.
Variant type: single nucleotide variant.
Coding change: c.5371A>G on transcript NM_004667.6 (MANE Select); coding-DNA position 5371, A replaced by G.
Protein change: p.Ser1791Gly; replaces serine 1791 with glycine.
Molecular consequence: missense variant.
Genome position (GRCh38, 1-based): chr15:28,228,311, T>C on the plus strand (A>G on the coding strand, the complement: HERC2 is on the minus strand). VCF-style: chr15-28228311-T-C. GRCh37 (hg19) VCF-style: chr15-28473457-T-C.
Other names: c.5371A>G (NM_004667.5); short protein forms S1791G.
Identifiers: ClinVar variation 2239530 (VCV002239530.3), dbSNP rs752715125, ClinGen allele CA391376861.

ClinVar aggregate classification (germline): Uncertain significance. Review status: criteria provided, multiple submitters, no conflicts (2 of 4 stars). 2 submissions from 2 submitters: Uncertain significance (2). Last evaluated 2024-02-29.

Conditions:
Inborn genetic diseases. Identifiers: MedGen C0950123, MeSH D030342.

Submissions (2):

GeneDx
Classification: Uncertain significance. Last evaluated: 2024-02-29. Review status: criteria provided, single submitter. Criteria: GeneDx Variant Classification Process June 2021. Collection method: clinical testing. Allele origin: germline. Affected: yes.
Comment: Not observed at significant frequency in large population cohorts (gnomAD); In silico analysis supports that this missense variant does not alter protein structure/function; Has not been previously published as pathogenic or benign to our knowledge

Ambry Genetics
Classification: Uncertain significance for Inborn genetic diseases. Last evaluated: 2021-07-27. Review status: criteria provided, single submitter. Criteria: Ambry Variant Classification Scheme 2023. Collection method: clinical testing. Allele origin: germline.